The following is an entry in ClinVar:

ClinVar aggregate classification (germline): Pathogenic (1 of 4 stars; one submission).

Conditions:
CHD7-related CHARGE syndrome. Identifiers: MedGen CN380413, MONDO:1010178, OMIM 214800.

Submission:

Molecular Genetics Laboratory, Motol Hospital
Classification: Pathogenic for CHD7-related CHARGE syndrome. Last evaluated: 2019-09-03. Review status: criteria provided, single submitter. Criteria: ACMG Guidelines, 2015. Collection method: clinical testing. Allele origin: de novo. Affected: yes. Observed: 1 variant allele.
Comment: Rare loss-of-function variants in the CHD7 gene are associated with autosomal dominant CHARGE syndrome (MIM:214800). Rare variant not present in the non-Finnish European poulation (gnomAD v4.1.0). The variant is classified as pathogenic.

NM_017780.4(CHD7):c.4112_4119del (p.Gly1370_Leu1371insTer)

Gene: CHD7 (chromodomain helicase DNA binding protein 7; plus strand). Cytogenetic location: 8q12.2.
Variant type: Deletion.
Coding change: c.4112_4119del on transcript NM_017780.4 (MANE Select); coding-DNA positions 4112 to 4119, 8 bases deleted (TAGGCATT; older notation c.4112_4119delTAGGCATT).
Protein change: p.Gly1370_Leu1371insTer.
Molecular consequence: nonsense. On other transcripts: intron variant (1).
Genome position (GRCh38, 1-based): chr8:60,836,939-60,836,946, TAGGCATT deleted; deleting any 8 consecutive bases within chr8:60,836,937-60,836,946 gives the same sequence; the c. name uses the placement nearest the transcript's 3' end. VCF-style (leftmost placement, unchanged base first): chr8-60836936-GTTTAGGCA-G. GRCh37 (hg19) VCF-style: chr8-61749495-GTTTAGGCA-G.
Other names: c.1717-25290_1717-25283del (NM_001316690.1).
Identifiers: ClinVar variation 4819317 (VCV004819317.1).